The following is an entry in ClinVar:

NM_004259.7(RECQL5):c.1586-9C>A

Gene: RECQL5 (RecQ like helicase 5; minus strand). Cytogenetic location: 17q25.1.
Variant type: single nucleotide variant.
Coding change: c.1586-9C>A on transcript NM_004259.7 (MANE Select); 9 bases into the intron before coding-DNA position 1586, C replaced by A.
Molecular consequence: intron variant.
Genome position (GRCh38, 1-based): chr17:75,630,846, G>T on the plus strand (C>A on the coding strand, the complement: RECQL5 is on the minus strand). VCF-style: chr17-75630846-G-T. GRCh37 (hg19) VCF-style: chr17-73626926-G-T.
Other names: NC_000017.10:g.73626926G>T.
Identifiers: ClinVar variation 3041166 (VCV003041166.3), dbSNP rs541964796, ClinGen allele CA8767392.

ClinVar aggregate classification (germline): Benign (0 of 4 stars; one submission).

Conditions:
RECQL5-related disorder. Also called: RECQL5-related condition.

Allele frequency attached by ClinVar (database versions not stated): 1000 Genomes Project 0.01338; TOPMed 0.01510.
gnomAD v4.1: 3,975 of 1,452,950 alleles (0.27%); highest among the groups gnomAD compares: African/African-American, 4.8%; 191 homozygotes.

Submissions (2):

PreventionGenetics, part of Exact Sciences
Classification: Benign for RECQL5-related condition. Last evaluated: 2019-11-07. Review status: no assertion criteria provided. Collection method: clinical testing. Allele origin: germline.
Comment: This variant is classified as benign based on ACMG/AMP sequence variant interpretation guidelines (Richards et al. 2015 PMID: 25741868, with internal and published modifications).

Dr. Peter K. Rogan Lab, Western University
No classification provided (evidence only). Condition: Ovarian serous cystadenocarcinoma. Review status: no classification provided. Collection method: in vitro. Allele origin: not applicable. Functional consequence: retained intron. Not counted in ClinVar's aggregate classification.